The following is an entry in ClinVar:

ClinVar aggregate classification (germline): Pathogenic. Review status: reviewed by expert panel (3 of 4 stars). 3 submissions from 3 submitters: Pathogenic (1). 2 of the submissions do not count toward it. Last evaluated 2024-05-09.

Conditions:
Severe myoclonic epilepsy in infancy (DRVT). Also called: DEVELOPMENTAL AND EPILEPTIC ENCEPHALOPATHY 6A; Severe Myoclonic Epilepsy in Infancy (SMEI); Epileptic encephalopathy, early infantile, 6 (Dravet syndrome); SEVERE MYOCLONIC EPILEPSY OF INFANCY; Dravet syndrome. Identifiers: Orphanet 33069, MedGen C0751122, MONDO:0100135, OMIM 607208.
Early-infantile DEE. Also called: Ohtahara syndrome; Early infantile epileptic encephalopathy; Early infantile epileptic encephalopathy with suppression bursts. Identifiers: Orphanet 1934, MedGen C0393706, MONDO:0800491.

Submissions (3):

ClinGen Epilepsy Sodium Channel Variant Curation Expert Panel, Clingen
Classification: Pathogenic for Severe myoclonic epilepsy in infancy. Last evaluated: 2024-05-09. Review status: reviewed by expert panel. Criteria: ClinGen EpilepsySCN ACMG Specifications SCN1A V1.0.0. Collection method: curation. Allele origin: germline. Inheritance: Autosomal dominant inheritance.
Comment: The c.4916G>C variant in SCN1A is a missense variant predicted to cause substitution of arginine by proline at amino acid 1639 (p.Arg1639Pro). This variant has been reported in at least one individual with Dravet syndrome and another individual with epilepsy with no additional details (PMIDs:35087721, 29655203) (PS4_Moderate). Multiple missense variants in SCN1A and in paralogous genes have previously been reported and meet P/LP per these criteria, including SCN1A: p.R1639G (PMIDs:18930999), SCN2A: p.R1629L, p.R1629H and SCN8A: p.R1620L (PMIDs 28330790, 3061509). (PM5_Strong). An identical amino acid substitution at the corresponding position in the paralogous gene, SCN2A has been reported as de novo (p.R1629P), however this did not meet P/LP per these criteria so PS1 was not met. This variant is absent from the population database, gnomAD v2.1.1 (PM2_Supporting). It falls within a pathogenic enriched region that is defined as a mutational hotspot (PM1). The computational predictor REVEL gives a score of 0.98, which is above the threshold of 0.773, evidence that correlates with a maximum strength of PP3_Moderate. In summary, this variant meets the criteria to be classified as pathogenic for autosomal dominant Dravet syndrome based on the ACMG/AMP criteria applied, as specified by the ClinGen Epilepsy Sodium Channel VCEP: PS4_Moderate, PM5_Strong, PM1, PM2_Supporting, PP3_Moderate (version 1.0; 5/9/23).

Labcorp Genetics (formerly Invitae), Labcorp
Classification: Uncertain significance for Early-infantile DEE. Last evaluated: 2022-11-22. Review status: criteria provided, single submitter. Criteria: Invitae Variant Classification Sherloc (09022015). Collection method: clinical testing. Allele origin: germline. Not counted in ClinVar's aggregate classification.
Comment: In summary, the available evidence is currently insufficient to determine the role of this variant in disease. Therefore, it has been classified as a Variant of Uncertain Significance. Advanced modeling of protein sequence and biophysical properties (such as structural, functional, and spatial information, amino acid conservation, physicochemical variation, residue mobility, and thermodynamic stability) performed at Invitae indicates that this missense variant is expected to disrupt SCN1A protein function. ClinVar contains an entry for this variant (Variation ID: 206852). This missense change has been observed in individual(s) with epilepsy and/or neurodevelopmental delay (PMID: 29655203). This variant is not present in population databases (gnomAD no frequency). This sequence change replaces arginine, which is basic and polar, with proline, which is neutral and non-polar, at codon 1639 of the SCN1A protein (p.Arg1639Pro).

GeneDx
Classification: Likely pathogenic. Last evaluated: 2018-05-23. Review status: criteria provided, single submitter. Criteria: GeneDx Variant Classification (06012015). Collection method: clinical testing. Allele origin: germline. Affected: yes. Not counted in ClinVar's aggregate classification.
Comment: A variant that is likely pathogenic has been identified in the SCN1A gene. The R1639P variant has not been published as a pathogenic variant, nor has it been reported as a benign variant to our knowledge. The R1639P variant is not observed in large population cohorts (Lek et al., 2016). The R1639P variant is a non-conservative amino acid substitution, which is likely to impact secondary protein structure as these residues differ in polarity, charge, size and/or other properties. This substitution is predicted to be within the transmembrane segment S4 of the fourth homologous domain. In-silico analyses, including protein predictors and evolutionary conservation, support a deleterious effect. In addition, missense variants in nearby residues have been reported in the Human Gene Mutation Database in individuals with SCN1A-related disorders (Stenson et al., 2014). Therefore, this variant is likely pathogenic; however, the possibility that it is benign cannot be excluded.

Literature cited by the submitters: PubMed 29655203 (cited by Labcorp Genetics (formerly Invitae), Labcorp).

NM_001165963.4(SCN1A):c.4916G>C (p.Arg1639Pro)

Genes: SCN1A (sodium voltage-gated channel alpha subunit 1; minus strand), LOC102724058 (uncharacterized LOC102724058; plus strand). Cytogenetic location: 2q24.3.
Variant type: single nucleotide variant.
Coding change: c.4916G>C on transcript NM_001165963.4 (MANE Select); coding-DNA position 4916, G replaced by C.
Protein change: p.Arg1639Pro; replaces arginine 1639 with proline.
Molecular consequence: missense variant. On other transcripts: non-coding transcript variant (1).
Genome position (GRCh38, 1-based): chr2:165,992,359, C>G on the plus strand (G>C on the coding strand, the complement: SCN1A is on the minus strand). VCF-style: chr2-165992359-C-G. GRCh37 (hg19) VCF-style: chr2-166848869-C-G.
Other names: p.R1639P:CGT>CCT; NM_001165963.4(SCN1A):c.4916G>C; p.Arg1639Pro; c.4832G>C, p.Arg1611Pro (NM_001165964.3, NM_001353957.2, NM_001353958.2); c.4916G>C, p.Arg1639Pro (NM_001202435.3, NM_001353948.2); c.4883G>C, p.Arg1628Pro (NM_001353949.2, NM_001353950.2, NM_001353951.2 and 2 more transcripts); c.4880G>C, p.Arg1627Pro (NM_001353954.2, NM_001353955.2); c.4829G>C, p.Arg1610Pro (NM_001353960.2); and 1 more; short protein forms R1628P, R1639P, R1627P, R1611P, R1610P, R825P.
Identifiers: ClinVar variation 206852 (VCV000206852.13), dbSNP rs796053029, ClinGen allele CA317553.